The following is an entry in ClinVar:

ClinVar aggregate classification (germline): Benign. Review status: criteria provided, multiple submitters, no conflicts (2 of 4 stars). 9 submissions from 9 submitters: Benign (7). 2 of the submissions do not count toward it. Last evaluated 2024-11-28.

Conditions:
Progressive myoclonic epilepsy type 6. Identifiers: Orphanet 280620, MedGen C5190805, MONDO:0013526, OMIM 614018.

Allele frequency attached by ClinVar (database versions not stated): TOPMed 0.94653; 1000 Genomes Project 30x 0.94941; ESP Exome Variant Server 0.95096; 1000 Genomes Project 0.95367.
gnomAD v4.1: 1,521,956 of 1,536,014 alleles (99%); highest among the groups gnomAD compares: East Asian, 100%; 755,025 homozygotes.

Submissions (9):

Blueprint Genetics
Classification: Benign. Last evaluated: 2024-11-28. Review status: criteria provided, single submitter. Criteria: ACMG Guidelines, 2015. Collection method: clinical testing. Allele origin: germline.

Unidad de Genómica Garrahan, Hospital de Pediatría Garrahan
Classification: Benign. Last evaluated: 2024-07-15. Review status: criteria provided, single submitter. Criteria: ACMG Guidelines, 2015. Collection method: clinical testing. Allele origin: germline. Affected: no. Observed: 93 variant alleles.
Comment: This variant is classified as Benign based on local population frequency. This variant was detected in 100% of patients studied in a panel designed for Epileptic and Developmental Encephalopathy and Progressive Myoclonus Epilepsy. Number of patients: 93. Only high quality variants are reported.

Genome-Nilou Lab
Classification: Benign for Progressive myoclonic epilepsy type 6. Last evaluated: 2021-08-10. Review status: criteria provided, single submitter. Criteria: ACMG Guidelines, 2015. Collection method: clinical testing. Allele origin: germline. Affected: no.

GeneDx
Classification: Benign. Last evaluated: 2015-03-03. Review status: criteria provided, single submitter. Criteria: GeneDx Variant Classification Process June 2021. Collection method: clinical testing. Allele origin: germline. Affected: yes.

Eurofins Ntd Llc (ga)
Classification: Benign. Last evaluated: 2014-09-20. Review status: criteria provided, single submitter. Criteria: EGL Classification Definitions 2015. Collection method: clinical testing. Allele origin: germline. Observed: 3 variant alleles, 3 homozygotes.

Breakthrough Genomics
Classification: Benign. Review status: criteria provided, single submitter. Criteria: ACMG Guidelines, 2015. Collection method: not provided. Allele origin: germline. Inheritance: Autosomal recessive inheritance. Affected: yes.

PreventionGenetics, part of Exact Sciences
Classification: Benign. Review status: criteria provided, single submitter. Criteria: ACMG Guidelines, 2015. Collection method: clinical testing. Allele origin: germline.

Diagnostic Laboratory, Department of Genetics, University Medical Center Groningen
Classification: Benign for Progressive myoclonic epilepsy type 6. Review status: no assertion criteria provided. Collection method: clinical testing. Allele origin: germline. Affected: yes. Study: VKGL Data-share Consensus. Not counted in ClinVar's aggregate classification.

Genome Diagnostics Laboratory, University Medical Center Utrecht
Classification: Benign. Review status: no assertion criteria provided. Collection method: clinical testing. Allele origin: germline. Affected: yes. Study: VKGL Data-share Consensus. Not counted in ClinVar's aggregate classification.

NM_004287.5(GOSR2):c.-12G>C

Genes: GOSR2 (golgi SNAP receptor complex member 2; plus strand), LRRC37A2 (leucine rich repeat containing 37 member A2). Cytogenetic location: 17q21.32.
Variant type: single nucleotide variant.
Coding change: c.-12G>C on transcript NM_004287.5 (MANE Select); 12 bases upstream of the start codon, G replaced by C.
Molecular consequence: 5 prime UTR variant. On other transcripts: non-coding transcript variant (3).
Genome position (GRCh38, 1-based): chr17:46,923,181, G>C. VCF-style: chr17-46923181-G-C. GRCh37 (hg19) VCF-style: chr17-45000547-G-C.
Other names: c.-12G>C (NM_001012511.3, NM_001321133.2, NM_001330252.2 and 4 more transcripts); c.-114G>C (NM_001321134.2); c.-477G>C (NM_001363851.2).
Identifiers: ClinVar variation 193275 (VCV000193275.16), dbSNP rs183199, ClinGen allele CA200457.